The following is an entry in ClinVar:

NM_198904.4(GABRG2):c.1224_1225insCA (p.Asp409fs)

Gene: GABRG2 (gamma-aminobutyric acid type A receptor subunit gamma2; plus strand). Cytogenetic location: 5q34.
Variant type: Insertion.
Coding change: c.1224_1225insCA on transcript NM_198904.4 (MANE Select); coding-DNA positions 1224 to 1225, CA inserted.
Protein change: p.Asp409fs; shifts the reading frame from aspartic acid 409.
Molecular consequence: frameshift variant. On other transcripts: 3 prime UTR variant (1).
Genome position: GRCh38 VCF-style: chr5-162153163-G-GAC. GRCh37 (hg19) VCF-style: chr5-161580169-G-GAC.
Other names: c.1200_1201insCA, p.Asp401fs (NM_000816.3); c.1215_1216insCA, p.Asp406fs (NM_001375339.1); c.*58_*59insCA (NM_001375340.1); c.1221_1222insCA, p.Asp408fs (NM_001375341.1); c.1197_1198insCA, p.Asp400fs (NM_001375342.1); c.1320_1321insCA, p.Asp441fs (NM_001375343.1); c.1263_1264insCA, p.Asp422fs (NM_001375344.1); c.1134_1135insCA, p.Asp379fs (NM_001375345.1); and 6 more; short protein forms D261fs, D269fs, D306fs, D379fs, D380fs, D387fs, D400fs, D401fs.
Identifiers: ClinVar variation 1075793 (VCV001075793.10), dbSNP rs2113650735, ClinGen allele CA2499217758.

ClinVar aggregate classification (germline): Pathogenic (1 of 4 stars; one submission).

Conditions:
EPILEPSY, CHILDHOOD ABSENCE, SUSCEPTIBILITY TO, 2 (ECA2). Identifiers: Orphanet 64280, MedGen C1843244, OMIM 607681.
Febrile seizures, familial, 8 (FEB8). Also called: CONVULSIONS, FAMILIAL FEBRILE, 8. Identifiers: Orphanet 36387, MedGen C1969810, MONDO:0011891, OMIM 607681.

Submission:

Labcorp Genetics (formerly Invitae), Labcorp
Classification: Pathogenic for Febrile seizures, familial, 8; EPILEPSY, CHILDHOOD ABSENCE, SUSCEPTIBILITY TO, 2. Last evaluated: 2021-02-24. Review status: criteria provided, single submitter. Criteria: Invitae Variant Classification Sherloc (09022015). Collection method: clinical testing. Allele origin: germline.
Comment: For these reasons, this variant has been classified as Pathogenic. This variant disrupts the C-terminus of the GABRG2 protein. Other variant(s) that disrupt this region (p.Trp429*, also known as p.Trp390*) have been determined to be pathogenic (PMID: 18566737). This suggests that variants that disrupt this region of the protein are likely to be causative of disease. This variant has not been reported in the literature in individuals with GABRG2-related conditions. This variant is not present in population databases (ExAC no frequency). This sequence change results in a frameshift in the GABRG2 gene (p.Asp401Glnfs*95). While this is not anticipated to result in nonsense mediated decay, it is expected to disrupt the last 67 amino acids of the GABRG2 protein and extend the protein by an additional 27 amino acids.

Literature cited by the submitters: PubMed 18566737.